The following is an entry in ClinVar:

ClinVar aggregate classification (germline): Likely pathogenic (1 of 4 stars; one submission).

Conditions:
Miller syndrome (POADS). Also called: GENEE-WIEDEMANN SYNDROME; Genee-Wiedemann acrofacial dysostosis. Identifiers: Orphanet 246, MedGen C0265257, MONDO:0009903, OMIM 263750.

Submission:

3billion
Classification: Likely pathogenic for Miller syndrome. Last evaluated: 2025-05-13. Review status: criteria provided, single submitter. Criteria: ACMG Guidelines, 2015. Collection method: clinical testing. Allele origin: germline. Affected: yes.
Comment: The variant is observed at an extremely low frequency in the gnomAD v4.1.0 dataset (total allele frequency: <0.001%). Predicted Consequence/Location: Missense variant In silico tool predictions suggest damaging effect of the variant on gene or gene product [REVEL: 0.85 (>=0.6, sensitivity 0.68 and specificity 0.92)]. The same nucleotide change resulting in the same amino acid change has been previously reported to be associated with DHODH-related disorder (PMID: 19915526).The variant has been reported to be in trans with a pathogenic variant as either compound heterozygous or homozygous in at least one similarly affected unrelated individual (PMID: 19915526). Therefore, this variant is classified as Likely pathogenic according to the recommendation of ACMG/AMP guideline.

Literature cited by the submitters: PubMed 19915526.

NM_001361.5(DHODH):c.1175A>G (p.Asp392Gly)

Genes: DHODH (dihydroorotate dehydrogenase (quinone); plus strand), LOC126862390 (MED14-independent group 3 enhancer GRCh37_chr16:72057307-72058506; plus strand). Cytogenetic location: 16q22.2.
Variant type: single nucleotide variant.
Coding change: c.1175A>G on transcript NM_001361.5 (MANE Select); coding-DNA position 1175, A replaced by G.
Protein change: p.Asp392Gly; replaces aspartic acid 392 with glycine.
Molecular consequence: missense variant.
Genome position (GRCh38, 1-based): chr16:72,024,186, A>G. VCF-style: chr16-72024186-A-G. GRCh37 (hg19) VCF-style: chr16-72058085-A-G.
Other names: short protein forms D392G.
Identifiers: ClinVar variation 4854800 (VCV004854800.1).